The following is an entry in ClinVar:

ClinVar aggregate classification (germline): Conflicting classifications of pathogenicity. Review status: no assertion criteria provided (0 of 4 stars). 3 submissions from 3 submitters: Pathogenic (1); Uncertain significance (1). 1 of the submissions does not count toward it. Last evaluated 2016-01-06.

Conditions:
Charcot-Marie-Tooth disease type 2D (CMT2D). Also called: Charcot-Marie-Tooth Neuropathy Type 2D; CHARCOT-MARIE-TOOTH DISEASE, AXONAL, TYPE 2D; GARS1 Adolescent- or Early Adult-Onset Hereditary Motor/Sensory Neuropathy (GARS1-HMSN); CHARCOT-MARIE-TOOTH DISEASE, NEURONAL, TYPE 2D. Identifiers: Orphanet 99938, MedGen C1832274, MONDO:0011091, OMIM 601472.

Submissions (3):

Inherited Neuropathy Consortium Ii, University Of Miami
Classification: Uncertain significance for Charcot-Marie-Tooth disease type 2D. Last evaluated: 2016-01-06. Review status: no assertion criteria provided. Collection method: literature only. Allele origin: germline. Affected: yes.

OMIM
Classification: Pathogenic for CHARCOT-MARIE-TOOTH DISEASE, AXONAL, TYPE 2D. Last evaluated: 2009-05-01. Review status: no assertion criteria provided. Collection method: literature only. Allele origin: germline.

GeneReviews
No classification provided. Condition: Charcot-Marie-Tooth disease type 2D. Review status: no classification provided. Collection method: literature only. Allele origin: germline. Not counted in ClinVar's aggregate classification.
Comment: GARS1-HMSN (CMT2D & dSMA-V) [Abe & Hayasaka 2009, Griffin et al 2014]

Literature cited by the submitters: PubMed 19329989 (cited by 3 submitters); PubMed 25168514 (cited by GeneReviews); PubMed 20301420 (cited by GeneReviews).

NM_002047.4(GARS1):c.893C>T (p.Pro298Leu)

Gene: GARS1 (glycyl-tRNA synthetase 1; plus strand). Cytogenetic location: 7p14.3.
Variant type: single nucleotide variant.
Coding change: c.893C>T on transcript NM_002047.4 (MANE Select); coding-DNA position 893, C replaced by T.
Protein change: p.Pro298Leu; replaces proline 298 with leucine.
Molecular consequence: missense variant.
Genome position (GRCh38, 1-based): chr7:30,612,107, C>T. VCF-style: chr7-30612107-C-T. GRCh37 (hg19) VCF-style: chr7-30651723-C-T.
Other names: c.731C>T, p.Pro244Leu (NM_001316772.1); c.893C>T (NM_002047.2); short protein forms P244L, P298L.
Identifiers: ClinVar variation 9209 (VCV000009209.6), dbSNP rs137852648, ClinGen allele CA254714.